The following is an entry in ClinVar:

NM_007294.4(BRCA1):c.3603T>C (p.Gly1201=)

Genes: BRCA1 (BRCA1 DNA repair associated; minus strand), LOC126862571 (BRD4-independent group 4 enhancer GRCh37_chr17:41243136-41244335; plus strand). Cytogenetic location: 17q21.31.
Variant type: single nucleotide variant.
Coding change: c.3603T>C on transcript NM_007294.4 (MANE Select); coding-DNA position 3603, T replaced by C.
Protein change: p.Gly1201=; no amino-acid change (glycine 1201 retained).
Molecular consequence: synonymous variant. On other transcripts: intron variant (135).
Genome position (GRCh38, 1-based): chr17:43,091,928, A>G on the plus strand (T>C on the coding strand, the complement: BRCA1 is on the minus strand). VCF-style: chr17-43091928-A-G. GRCh37 (hg19) VCF-style: chr17-41243945-A-G.
Other names: c.3600T>C, p.Gly1200= (NM_001407634.1, NM_001407635.1, NM_001407636.1 and 22 more transcripts); c.3603T>C, p.Gly1201= (NM_001407639.1, NM_001407640.1, NM_001407641.1 and 30 more transcripts); c.3594T>C, p.Gly1198= (NM_001407646.1, NM_001407647.1); c.3480T>C, p.Gly1160= (NM_001407648.1, NM_001407664.1, NM_001407665.1 and 19 more transcripts); c.3477T>C, p.Gly1159= (NM_001407649.1, NM_001407670.1, NM_001407671.1 and 11 more transcripts); c.3525T>C, p.Gly1175= (NM_001407653.1, NM_001407654.1, NM_001407655.1 and 4 more transcripts); c.3522T>C, p.Gly1174= (NM_001407659.1, NM_001407660.1, NM_001407661.1 and 1 more transcripts); c.3462T>C, p.Gly1154= (NM_001407692.1, NM_001407694.1, NM_001407695.1 and 29 more transcripts); and 41 more.
Identifiers: ClinVar variation 531507 (VCV000531507.11), dbSNP rs80356830, ClinGen allele CA500231970.

ClinVar aggregate classification (germline): Conflicting classifications of pathogenicity. Review status: criteria provided, conflicting classifications (1 of 4 stars). 2 submissions from 2 submitters: Uncertain significance (1); Likely benign (1). Last evaluated 2025-08-19.

Conditions:
Hereditary breast ovarian cancer syndrome. Also called: Hereditary breast and ovarian cancer syndrome (HBOC); BRCA1- and BRCA2-Associated Hereditary Breast and Ovarian Cancer; Hereditary breast and ovarian cancer syndrome; Breast and ovarian cancer; Hereditary breast and ovarian cancer; Hereditary breast and/or ovarian cancer syndrome. Identifiers: Orphanet 145, MedGen C0677776, MeSH D061325, MONDO:0003582. Disease mechanism: loss of function.

Allele frequency attached by ClinVar (database versions not stated): gnomAD exomes below 0.00001.

Submissions (2):

Quest Diagnostics Nichols Institute San Juan Capistrano
Classification: Uncertain significance. Last evaluated: 2025-08-19. Review status: criteria provided, single submitter. Criteria: Quest Diagnostics criteria. Collection method: clinical testing. Allele origin: unknown.
Comment: The BRCA1 c.3603T>C (p.Gly1201=) synonymous variant has not been reported in individuals with BRCA1-related conditions in the published literature. This variant has not been reported in large, multi-ethnic general populations (Genome Aggregation Database). Analysis of this variant using software algorithms for the prediction of the effect of nucleotide changes on splicing yielded predictions that this variant does not affect BRCA1 mRNA splicing. Based on the available information, we are unable to determine the clinical significance of this variant.

Labcorp Genetics (formerly Invitae), Labcorp
Classification: Likely benign for Hereditary breast ovarian cancer syndrome. Last evaluated: 2025-07-02. Review status: criteria provided, single submitter. Criteria: Invitae Variant Classification Sherloc (09022015). Collection method: clinical testing. Allele origin: germline.